The following is an entry in ClinVar:

NM_206933.4(USH2A):c.11379G>A (p.Trp3793Ter)

Gene: USH2A (usherin; minus strand). Cytogenetic location: 1q41.
Variant type: single nucleotide variant.
Coding change: c.11379G>A on transcript NM_206933.4 (MANE Select); coding-DNA position 11379, G replaced by A.
Protein change: p.Trp3793Ter; replaces tryptophan 3793 with a stop codon.
Molecular consequence: nonsense.
Genome position (GRCh38, 1-based): chr1:215,758,605, C>T on the plus strand (G>A on the coding strand, the complement: USH2A is on the minus strand). VCF-style: chr1-215758605-C-T. GRCh37 (hg19) VCF-style: chr1-215931947-C-T.
Other names: short protein forms W3793*.
Identifiers: ClinVar variation 5012655 (VCV005012655.1).

ClinVar aggregate classification (germline): Pathogenic (1 of 4 stars; one submission).

Conditions:
USH2A-related disorder. Also called: USH2A-related condition; USH2A-related disorders. Identifiers: MedGen CN239332.

Submission:

Myriad Genetics, Inc.
Classification: Pathogenic for USH2A-related disorder. Last evaluated: 2024-01-17. Review status: criteria provided, single submitter. Criteria: Myriad Autosomal Dominant, Autosomal Recessive and X-Linked Classification Criteria (2023). Collection method: clinical testing. Allele origin: unknown.
Comment: NM_206933.2(USH2A):c.11379G>A(W3793*) is expected to be pathogenic in the context of USH2A-related disorders. This variant is predicted to lead to an abnormal or absent protein product due to the creation of a premature termination codon in USH2A, a gene where loss-of-function variants are known to be pathogenic. Please note: this variant was assessed in the context of healthy population screening.